The following is an entry in ClinVar:

NM_001267550.2(TTN):c.92151T>C (p.Tyr30717=)

Genes: TTN (titin; minus strand), TTN-AS1 (TTN antisense RNA 1; plus strand). Cytogenetic location: 2q31.2.
Variant type: single nucleotide variant.
Coding change: c.92151T>C on transcript NM_001267550.2 (MANE Select); coding-DNA position 92151, T replaced by C.
Protein change: p.Tyr30717=; no amino-acid change (tyrosine 30717 retained).
Molecular consequence: synonymous variant.
Genome position (GRCh38, 1-based): chr2:178,549,571, A>G on the plus strand (T>C on the coding strand, the complement: TTN is on the minus strand). VCF-style: chr2-178549571-A-G. GRCh37 (hg19) VCF-style: chr2-179414298-A-G.
Other names: c.87228T>C, p.Tyr29076= (NM_001256850.1); c.64956T>C, p.Tyr21652= (NM_003319.4); c.84447T>C, p.Tyr28149= (NM_133378.4); c.65331T>C, p.Tyr21777= (NM_133432.3); c.65532T>C, p.Tyr21844= (NM_133437.4).
Identifiers: ClinVar variation 511503 (VCV000511503.15), dbSNP rs182422055, ClinGen allele CA1987489.

ClinVar aggregate classification (germline): Conflicting classifications of pathogenicity. Review status: criteria provided, conflicting classifications (1 of 4 stars). 8 submissions from 8 submitters: Uncertain significance (2); Likely benign (3). 3 of the submissions do not count toward it. Last evaluated 2025-04-30.

Conditions:
Autosomal recessive limb-girdle muscular dystrophy type 2J (LGMDR10). Also called: Limb-girdle muscular dystrophy, type 2J; MUSCULAR DYSTROPHY, LIMB-GIRDLE, AUTOSOMAL RECESSIVE 10. Identifiers: Orphanet 140922, MedGen C1837342, MONDO:0012127, OMIM 608807.
Dilated cardiomyopathy 1G (CMD1G). Identifiers: Orphanet 154, MedGen C1858763, MONDO:0011400, OMIM 604145.
TTN-related disorder. Also called: TTN-related condition; TTN-related disease; TTN-related disorders.
Cardiovascular phenotype. Identifiers: MedGen CN230736.
Left ventricular noncompaction. Identifiers: Orphanet 54260, MedGen C1960469, MONDO:0018901, HP:0030682.

Allele frequency attached by ClinVar (database versions not stated): 1000 Genomes Project 30x 0.00031; ExAC 0.00003; gnomAD exomes 0.00003; TOPMed 0.00004; gnomAD 0.00006; 1000 Genomes Project 0.00020.
gnomAD v4.1: 54 of 1,611,132 alleles (0.0034%); highest among the groups gnomAD compares: Admixed American, 0.01%; no homozygotes.

Submissions (8):

PreventionGenetics, part of Exact Sciences
Classification: Likely benign for TTN-related condition. Last evaluated: 2025-04-30. Review status: criteria provided, single submitter. Criteria: ACMG Guidelines, 2015. Collection method: clinical testing. Allele origin: germline.
Comment: This variant is classified as likely benign based on ACMG/AMP sequence variant interpretation guidelines (Richards et al. 2015 PMID: 25741868, with internal and published modifications).

Ambry Genetics
Classification: Likely benign for Cardiovascular phenotype. Last evaluated: 2019-12-02. Review status: criteria provided, single submitter. Criteria: Ambry Variant Classification Scheme 2023. Collection method: clinical testing. Allele origin: germline.

GeneDx
Classification: Likely benign. Last evaluated: 2019-02-20. Review status: criteria provided, single submitter. Criteria: GeneDx Variant Classification Process June 2021. Collection method: clinical testing. Allele origin: germline. Affected: yes.

Labcorp Genetics (formerly Invitae), Labcorp
Classification: Uncertain significance for Dilated cardiomyopathy 1G; Autosomal recessive limb-girdle muscular dystrophy type 2J. Last evaluated: 2017-08-14. Review status: criteria provided, single submitter. Criteria: Invitae Variant Classification Sherloc (09022015). Collection method: clinical testing. Allele origin: germline.

Molecular Diagnostic Laboratory for Inherited Cardiovascular Disease, Montreal Heart Institute
Classification: Uncertain significance for Left ventricular noncompaction. Review status: criteria provided, single submitter. Criteria: ACMG Guidelines, 2015. Collection method: clinical testing. Allele origin: germline. Affected: yes.

Clinical Genetics, Academic Medical Center
Classification: Benign. Review status: no assertion criteria provided. Collection method: clinical testing. Allele origin: germline. Affected: yes. Study: VKGL Data-share Consensus. Not counted in ClinVar's aggregate classification.

Joint Genome Diagnostic Labs from Nijmegen and Maastricht, Radboudumc and MUMC+
Classification: Likely benign. Review status: no assertion criteria provided. Collection method: clinical testing. Allele origin: germline. Affected: yes. Study: VKGL Data-share Consensus. Not counted in ClinVar's aggregate classification.

Laboratory of Diagnostic Genome Analysis, Leiden University Medical Center (LUMC)
Classification: Likely benign. Review status: no assertion criteria provided. Collection method: clinical testing. Allele origin: germline. Affected: yes. Study: VKGL Data-share Consensus. Not counted in ClinVar's aggregate classification.